The following is an entry in ClinVar:

NM_003242.6(TGFBR2):c.1582C>A (p.Arg528Ser)

Gene: TGFBR2 (transforming growth factor beta receptor 2; plus strand). Cytogenetic location: 3p24.1.
Variant type: single nucleotide variant.
Coding change: c.1582C>A on transcript NM_003242.6 (MANE Select); coding-DNA position 1582, C replaced by A.
Protein change: p.Arg528Ser; replaces arginine 528 with serine.
Molecular consequence: missense variant.
Genome position (GRCh38, 1-based): chr3:30,691,477, C>A. VCF-style: chr3-30691477-C-A. GRCh37 (hg19) VCF-style: chr3-30732969-C-A.
Other names: c.1657C>A, p.Arg553Ser (NM_001024847.3); c.1765C>A, p.Arg589Ser (NM_001407126.1); c.1690C>A, p.Arg564Ser (NM_001407127.1); c.1609C>A, p.Arg537Ser (NM_001407128.1); c.1585C>A, p.Arg529Ser (NM_001407129.1); c.1579C>A, p.Arg527Ser (NM_001407130.1); c.1477C>A, p.Arg493Ser (NM_001407132.1, NM_001407133.1, NM_001407134.1 and 2 more transcripts); c.1297C>A, p.Arg433Ser (NM_001407137.1); and 2 more; short protein forms R528S, R553S, R238S, R493S, R564S, R527S, R529S, R433S.
Identifiers: ClinVar variation 1299545 (VCV001299545.2), dbSNP rs104893810, ClinGen allele CA351809603.

ClinVar aggregate classification (germline): Pathogenic (1 of 4 stars; one submission).

Conditions:
Loeys-Dietz syndrome 2 (LDS2). Also called: TGFBR2-Related Loeys-Dietz Syndrome; AORTIC ANEURYSM, FAMILIAL THORACIC 3; MARFAN SYNDROME, TYPE II; Marfan syndrome, type 2 (formerly); Marfan Syndrome type 2; Marfan like connective tissue disorder. Identifiers: Orphanet 284973, Orphanet 558, MedGen C2674574, MONDO:0012427, OMIM 610168.

Submission:

Laboratory of Medical Genetics, National & Kapodistrian University of Athens
Classification: Pathogenic for Loeys-Dietz syndrome 2. Last evaluated: 2021-08-10. Review status: criteria provided, single submitter. Criteria: ACMG Guidelines, 2015. Collection method: clinical testing. Allele origin: unknown. Affected: yes.
Comment: PM1, PM2, PM5, PP2, PP3, PP5

Literature cited by the submitters: PubMed 34008892.